The following is an entry in ClinVar:

ClinVar aggregate classification (germline): Uncertain significance. Review status: criteria provided, multiple submitters, no conflicts (2 of 4 stars). 2 submissions from 2 submitters: Uncertain significance (2). Last evaluated 2025-04-24.

Conditions:
Inborn genetic diseases. Identifiers: MedGen C0950123, MeSH D030342.

Allele frequency attached by ClinVar (database versions not stated): gnomAD exomes below 0.00001; gnomAD 0.00001; TOPMed 0.00001.

Submissions (2):

Ambry Genetics
Classification: Uncertain significance for Inborn genetic diseases. Last evaluated: 2025-04-24. Review status: criteria provided, single submitter. Criteria: Ambry Variant Classification Scheme 2023. Collection method: clinical testing. Allele origin: germline.

Labcorp Genetics (formerly Invitae), Labcorp
Classification: Uncertain significance. Last evaluated: 2022-02-22. Review status: criteria provided, single submitter. Criteria: Invitae Variant Classification Sherloc (09022015). Collection method: clinical testing. Allele origin: germline.
Comment: This sequence change replaces serine, which is neutral and polar, with leucine, which is neutral and non-polar, at codon 43 of the TSFM protein (p.Ser43Leu). This variant is present in population databases (no rsID available, gnomAD 0.003%). This variant has not been reported in the literature in individuals affected with TSFM-related conditions. Algorithms developed to predict the effect of missense changes on protein structure and function (SIFT, PolyPhen-2, Align-GVGD) all suggest that this variant is likely to be tolerated. In summary, the available evidence is currently insufficient to determine the role of this variant in disease. Therefore, it has been classified as a Variant of Uncertain Significance.

NM_005726.6(TSFM):c.128C>T (p.Ser43Leu)

Gene: TSFM (Ts translation elongation factor, mitochondrial; plus strand). Cytogenetic location: 12q14.1.
Variant type: single nucleotide variant.
Coding change: c.128C>T on transcript NM_005726.6 (MANE Select); coding-DNA position 128, C replaced by T.
Protein change: p.Ser43Leu; replaces serine 43 with leucine.
Molecular consequence: missense variant.
Genome position (GRCh38, 1-based): chr12:57,783,180, C>T. VCF-style: chr12-57783180-C-T. GRCh37 (hg19) VCF-style: chr12-58176963-C-T.
Other names: c.128C>T, p.Ser43Leu (NM_001172695.2, NM_001172696.2, NM_001172697.2); c.128C>T (NM_001172696.1); short protein forms S43L.
Identifiers: ClinVar variation 1519310 (VCV001519310.4), dbSNP rs1348508777, ClinGen allele CA385523544.